The following is an entry in ClinVar:

ClinVar aggregate classification (germline): Pathogenic/Likely pathogenic. Review status: criteria provided, multiple submitters, no conflicts (2 of 4 stars). 2 submissions from 2 submitters: Pathogenic (1); Likely pathogenic (1). Last evaluated 2025-10-29.

Conditions:
Inborn genetic diseases. Identifiers: MedGen C0950123, MeSH D030342.
ANKRD11-related disorder. Also called: ANKRD11-related condition.

Submissions (2):

Ambry Genetics
Classification: Pathogenic for Inborn genetic diseases. Last evaluated: 2025-10-29. Review status: criteria provided, single submitter. Criteria: Ambry Variant Classification Scheme 2023. Collection method: clinical testing. Allele origin: germline.
Comment: The c.3151G>T (p.E1051*) alteration, located in exon 9 (coding exon 7) of the ANKRD11 gene, consists of a G to T substitution at nucleotide position 3151. This changes the amino acid from a glutamic acid (E) to a stop codon at amino acid position 1051. This alteration is expected to result in loss of function by premature protein truncation or nonsense-mediated mRNA decay. This variant was not reported in population-based cohorts in the Genome Aggregation Database (gnomAD). Based on the available evidence, this alteration is classified as pathogenic.

PreventionGenetics, part of Exact Sciences
Classification: Likely pathogenic for ANKRD11-related condition. Last evaluated: 2023-03-10. Review status: criteria provided, single submitter. Criteria: ACMG Guidelines, 2015. Collection method: clinical testing. Allele origin: germline.
Comment: The ANKRD11 c.3151G>T variant is predicted to result in premature protein termination (p.Glu1051*). To our knowledge, this variant has not been reported in the literature or in a large population database, indicating this variant is rare. Nonsense variants in ANKRD11 are expected to be pathogenic. This variant is interpreted as likely pathogenic.

NM_013275.6(ANKRD11):c.3151G>T (p.Glu1051Ter)

Gene: ANKRD11 (ankyrin repeat domain 11; minus strand). Cytogenetic location: 16q24.3.
Variant type: single nucleotide variant.
Coding change: c.3151G>T on transcript NM_013275.6 (MANE Select); coding-DNA position 3151, G replaced by T.
Protein change: p.Glu1051Ter; replaces glutamic acid 1051 with a stop codon.
Molecular consequence: nonsense.
Genome position (GRCh38, 1-based): chr16:89,283,391, C>A on the plus strand (G>T on the coding strand, the complement: ANKRD11 is on the minus strand). VCF-style: chr16-89283391-C-A. GRCh37 (hg19) VCF-style: chr16-89349799-C-A.
Other names: c.3151G>T, p.Glu1051Ter (NM_001256182.2, NM_001256183.2); c.3151G>T (NM_013275.4); short protein forms E1051*.
Identifiers: ClinVar variation 2633566 (VCV002633566.2), dbSNP rs2544238498, ClinGen allele CA397160476.